The following is an entry in ClinVar:

ClinVar aggregate classification (germline): Pathogenic/Likely pathogenic. Review status: criteria provided, multiple submitters, no conflicts (2 of 4 stars). 12 submissions from 11 submitters: Pathogenic (7); Likely pathogenic (3). 2 of the submissions do not count toward it. Last evaluated 2025-03-27.

Conditions:
Zellweger spectrum disorders (ZS). Also called: Zellweger Spectrum Disorder; Zellweger Spectrum; Zellweger syndrome; Zellweger Spectrum Disorder (ZSD). Identifiers: Orphanet 912, MedGen C0043459, MONDO:0019609.
Peroxisome biogenesis disorder 5A (Zellweger) (PBD5A). Identifiers: Orphanet 912, MedGen C3553940, MONDO:0013932, OMIM 614866.
Peroxisome biogenesis disorder 5B (PBD5B). Identifiers: Orphanet 44, MedGen C3542026, MONDO:0013933, OMIM 614867.
PEX2-related disorder. Also called: PEX2-related condition.
Peroxisome biogenesis disorder. Identifiers: Orphanet 79189, MedGen C1832200, MONDO:0019234. Disease mechanism: loss of function.

Submissions (12):

Natera, Inc.
Classification: Likely pathogenic for Zellweger syndrome. Last evaluated: 2025-03-27. Review status: criteria provided, single submitter. Criteria: Natera Variant Classification Schema (03/2026). Collection method: clinical testing. Allele origin: germline.
Comment: The c.339_345delCAGGTGG variant in PEX2 is a frameshift variant predicted to shift the reading frame and introduce a stop codon. This variant is expected to result in nonsense mediated decay, truncation, or a dysfunctional protein product. This variant is rare in the general population with a frequency below the threshold expected for the associated phenotype(s). This variant has been observed in one or more individuals affected with the associated recessive disease, as either homozygous or compound heterozygous with a second variant (PMID: 21031596). Given the available evidence, this variant is classified as Likely Pathogenic.

Labcorp Genetics (formerly Invitae), Labcorp
Classification: Pathogenic for Peroxisome biogenesis disorder 5A (Zellweger). Last evaluated: 2025-01-05. Review status: criteria provided, single submitter. Criteria: Invitae Variant Classification Sherloc (09022015). Collection method: clinical testing. Allele origin: germline.
Comment: This sequence change creates a premature translational stop signal (p.Arg114*) in the PEX2 gene. While this is not anticipated to result in nonsense mediated decay, it is expected to disrupt the last 192 amino acid(s) of the PEX2 protein. This variant is present in population databases (rs764771123, gnomAD 0.008%). This premature translational stop signal has been observed in individual(s) with Zellweger syndrome (PMID: 21031596). ClinVar contains an entry for this variant (Variation ID: 287499). This variant disrupts a region of the PEX2 protein in which other variant(s) (p.Arg119*) have been determined to be pathogenic (PMID: 1546315, 9452066, 9585609, 10528859). This suggests that this is a clinically significant region of the protein, and that variants that disrupt it are likely to be disease-causing. For these reasons, this variant has been classified as Pathogenic.

Blueprint Genetics
Classification: Likely pathogenic for PEX2-related disorders. Last evaluated: 2024-11-17. Review status: criteria provided, single submitter. Criteria: ACMG Guidelines, 2015. Collection method: clinical testing. Allele origin: germline. Affected: yes. Observed: 5 variant alleles.

Baylor Genetics
Classification: Pathogenic for Peroxisome biogenesis disorder 5A (Zellweger). Last evaluated: 2024-03-20. Review status: criteria provided, single submitter. Criteria: ACMG Guidelines, 2015. Collection method: clinical testing. Allele origin: unknown.

Fulgent Genetics
Classification: Likely pathogenic for Peroxisome biogenesis disorder 5A (Zellweger); Peroxisome biogenesis disorder 5B. Last evaluated: 2024-02-22. Review status: criteria provided, single submitter. Criteria: ACMG Guidelines, 2015. Collection method: clinical testing. Allele origin: germline.

Laboratory of Medical Genetics, National & Kapodistrian University of Athens
Classification: Pathogenic for Peroxisome biogenesis disorder 5A (Zellweger). Last evaluated: 2024-02-01. Review status: criteria provided, single submitter. Criteria: ACMG Guidelines, 2015. Collection method: curation. Allele origin: germline. Affected: no.

MGZ Medical Genetics Center
Classification: Pathogenic for Peroxisome biogenesis disorder 5B. Last evaluated: 2021-10-26. Review status: criteria provided, single submitter. Criteria: ACMG Guidelines, 2015. Collection method: clinical testing. Allele origin: germline. Affected: yes. Observed: 1 variant allele.
Comment: ACMG criteria applied: PVS1, PS4_SUP, PM2_SUP

Women's Health and Genetics/Laboratory Corporation of America, LabCorp
Classification: Pathogenic for Peroxisome biogenesis disorder. Last evaluated: 2017-04-28. Review status: criteria provided, single submitter. Criteria: LabCorp Variant Classification Summary - May 2015. Collection method: clinical testing. Allele origin: germline.
Comment: Variant summary: The PEX2 c.339_345delCAGGTGG (p.Arg114fs) variant results in a premature termination codon, predicted to cause a truncated or absent PEX2 protein due to nonsense mediated decay, which are commonly known mechanisms for disease. LCA has classified another downstream truncation variant, c.355C>T (p.Arg119X) as pathogenic. This variant was found in 3/121458 control chromosomes at a frequency of 0.0000247, which does not exceed the estimated maximal expected allele frequency of a pathogenic PEX2 variant (0.001118). A publication has cited the variant in two individuals, one homozygous and one assumed compound heterozygous, diagnosed with ZS (Ebberink_2010). In addition, multiple clinical diagnostic laboratories classified this variant as "likely pathogenic/pathogenic. Taken together, this variant is classified as "Pathogenic."

Eurofins Ntd Llc (ga)
Classification: Pathogenic. Last evaluated: 2016-04-11. Review status: criteria provided, single submitter. Criteria: EGL Classification Definitions 2015. Collection method: clinical testing. Allele origin: germline. Observed: 1 variant allele, 1 heterozygote.

Centre for Mendelian Genomics, University Medical Centre Ljubljana
Classification: Pathogenic for Peroxisome biogenesis disorder 5A (Zellweger). Last evaluated: 2016-01-01. Review status: criteria provided, single submitter. Criteria: ACMG Guidelines, 2015. Collection method: clinical testing. Allele origin: unknown. Affected: yes.
Comment: This variant was classified as: Pathogenic. The following ACMG criteria were applied in classifying this variant: PVS1,PM2,PP5.

Counsyl
Classification: Likely pathogenic for Peroxisome biogenesis disorder 5A (Zellweger). Last evaluated: 2016-08-16. Review status: no assertion criteria provided. Collection method: clinical testing. Allele origin: unknown. Not counted in ClinVar's aggregate classification.

Counsyl
Classification: Likely pathogenic for Peroxisome biogenesis disorder 5B. Last evaluated: 2016-08-16. Review status: no assertion criteria provided. Collection method: clinical testing. Allele origin: unknown. Not counted in ClinVar's aggregate classification.

Literature cited by the submitters: PubMed 21031596 (cited by 4 submitters); PubMed 1546315 (cited by Labcorp Genetics (formerly Invitae), Labcorp); PubMed 9452066 (cited by Labcorp Genetics (formerly Invitae), Labcorp); PubMed 9585609 (cited by Labcorp Genetics (formerly Invitae), Labcorp); PubMed 10528859 (cited by Labcorp Genetics (formerly Invitae), Labcorp).

NM_000318.3(PEX2):c.339_345del (p.Gly113_Arg114insTer)

Gene: PEX2 (peroxisomal biogenesis factor 2; minus strand). Cytogenetic location: 8q21.13.
Variant type: Deletion.
Coding change: c.339_345del on transcript NM_000318.3 (MANE Select); coding-DNA positions 339 to 345, 7 bases deleted (CAGGTGG; older notation c.339_345delCAGGTGG).
Protein change: p.Gly113_Arg114insTer.
Molecular consequence: frameshift variant.
Genome position (GRCh38, 1-based): chr8:76,983,834-76,983,840, CCACCTG deleted on the plus strand (CAGGTGG on the coding strand, the reverse complement: PEX2 is on the minus strand); deleting any 7 consecutive bases within chr8:76,983,834-76,983,845 gives the same sequence; the c. name uses the placement nearest the transcript's 3' end. VCF-style (leftmost placement, unchanged base first): chr8-76983833-ACCACCTG-A. GRCh37 (hg19) VCF-style: chr8-77896069-ACCACCTG-A.
Other names: c.339_345del, p.Gly113_Arg114insTer (NM_001079867.2, NM_001172086.2, NM_001172087.2); c.339_345del (NM_000318.2); c.339_345delCAGGTGG (NM_000318.3).
Identifiers: ClinVar variation 287499 (VCV000287499.26), dbSNP rs764771123, ClinGen allele CA4788726.